The following is an entry in ClinVar:

NM_031935.3(HMCN1):c.6682C>T (p.Leu2228Phe)

Gene: HMCN1 (hemicentin 1; plus strand). Cytogenetic location: 1q31.1.
Variant type: single nucleotide variant.
Coding change: c.6682C>T on transcript NM_031935.3 (MANE Select); coding-DNA position 6682, C replaced by T.
Protein change: p.Leu2228Phe; replaces leucine 2228 with phenylalanine.
Molecular consequence: missense variant.
Genome position (GRCh38, 1-based): chr1:186,053,056, C>T. VCF-style: chr1-186053056-C-T. GRCh37 (hg19) VCF-style: chr1-186022188-C-T.
Other names: short protein forms L2228F.
Identifiers: ClinVar variation 2175365 (VCV002175365.4), dbSNP rs762495464, ClinGen allele CA1292631.

ClinVar aggregate classification (germline): Uncertain significance (1 of 4 stars; one submission).

Allele frequency attached by ClinVar (database versions not stated): gnomAD 0.00001; ExAC 0.00004.
gnomAD v4.1: 21 of 1,609,460 alleles (0.0013%); highest among the groups gnomAD compares: East Asian, 0.0022%; no homozygotes.

Submission:

Labcorp Genetics (formerly Invitae), Labcorp
Classification: Uncertain significance. Last evaluated: 2022-03-17. Review status: criteria provided, single submitter. Criteria: Invitae Variant Classification Sherloc (09022015). Collection method: clinical testing. Allele origin: germline.
Comment: This sequence change replaces leucine, which is neutral and non-polar, with phenylalanine, which is neutral and non-polar, at codon 2228 of the HMCN1 protein (p.Leu2228Phe). In summary, the available evidence is currently insufficient to determine the role of this variant in disease. Therefore, it has been classified as a Variant of Uncertain Significance. Algorithms developed to predict the effect of missense changes on protein structure and function are either unavailable or do not agree on the potential impact of this missense change (SIFT: "Deleterious"; PolyPhen-2: "Probably Damaging"; Align-GVGD: "Class C0"). This variant has not been reported in the literature in individuals affected with HMCN1-related conditions. This variant is present in population databases (rs762495464, gnomAD 0.02%).